The following is an entry in ClinVar:

NM_000090.4(COL3A1):c.752A>G (p.Lys251Arg)

Gene: COL3A1 (collagen type III alpha 1 chain; plus strand). Cytogenetic location: 2q32.2.
Variant type: single nucleotide variant.
Coding change: c.752A>G on transcript NM_000090.4 (MANE Select); coding-DNA position 752, A replaced by G.
Protein change: p.Lys251Arg; replaces lysine 251 with arginine.
Molecular consequence: missense variant.
Genome position (GRCh38, 1-based): chr2:188,990,314, A>G. VCF-style: chr2-188990314-A-G. GRCh37 (hg19) VCF-style: chr2-189855040-A-G.
Other names: short protein forms K251R.
Identifiers: ClinVar variation 459796 (VCV000459796.19), dbSNP rs151148197, ClinGen allele CA62590505.
Genomic context (GRCh38, chr2:188,990,314, plus strand): 5'-GATTGTGATTCTATTTGAAGGTTCATTAATATTTTTTCATTCATTATTTTTAGGGTATCA[A>G]AGGTCCAGCTGGGATACCTGGATTCCCTGGTATGAAAGGACACAGAGTAAGTAGAGTTTC-3'
Protein context (NP_000081.2, residues 241-261): ERGLPGPPGI[Lys251Arg]GPAGIPGFPG

ClinVar aggregate classification (germline): Uncertain significance. Review status: criteria provided, multiple submitters, no conflicts (2 of 4 stars). 4 submissions from 4 submitters: Uncertain significance (4). Last evaluated 2024-10-17.

Conditions:
Familial thoracic aortic aneurysm and aortic dissection (TAAD). Also called: Thoracic aortic aneurysms and dissections. Identifiers: Orphanet 91387, MedGen C4707243, MONDO:0019625.
Ehlers-Danlos syndrome, type 4 (EDSVASC). Also called: Ehlers-Danlos syndrome vascular type; Ehlers Danlos syndrome, ecchymotic type; Ehlers Danlos syndrome, arterial type; Ehlers Danlos syndrome, Sack-Barabas type; Ehlers-Danlos Syndrome Type IV. Identifiers: Orphanet 286, MedGen C0268338, MONDO:0017314, OMIM 130050.

Allele frequency attached by ClinVar (database versions not stated): gnomAD exomes 0.00001; TOPMed 0.00002; ESP Exome Variant Server 0.00008.
gnomAD v4.1: 10 of 1,613,006 alleles (0.00062%); highest among the groups gnomAD compares: Non-Finnish European, 0.00085%; no homozygotes.

Submissions (4):

Labcorp Genetics (formerly Invitae), Labcorp
Classification: Uncertain significance for Ehlers-Danlos syndrome, type 4. Last evaluated: 2024-10-17. Review status: criteria provided, single submitter. Criteria: Invitae Variant Classification Sherloc (09022015). Collection method: clinical testing. Allele origin: germline.
Comment: This sequence change replaces lysine, which is basic and polar, with arginine, which is basic and polar, at codon 251 of the COL3A1 protein (p.Lys251Arg). This variant is present in population databases (rs151148197, gnomAD 0.002%). This variant has not been reported in the literature in individuals affected with COL3A1-related conditions. ClinVar contains an entry for this variant (Variation ID: 459796). Invitae Evidence Modeling of protein sequence and biophysical properties (such as structural, functional, and spatial information, amino acid conservation, physicochemical variation, residue mobility, and thermodynamic stability) indicates that this missense variant is not expected to disrupt COL3A1 protein function with a negative predictive value of 95%. In summary, the available evidence is currently insufficient to determine the role of this variant in disease. Therefore, it has been classified as a Variant of Uncertain Significance.

Color Diagnostics, LLC DBA Color Health
Classification: Uncertain significance for Familial thoracic aortic aneurysm and aortic dissection. Last evaluated: 2024-08-12. Review status: criteria provided, single submitter. Criteria: ACMG Guidelines, 2015. Collection method: clinical testing. Allele origin: germline.
Comment: This missense variant replaces lysine with arginine at codon 251 of the COL3A1 protein. Computational prediction tools indicate that this variant has a neutral impact on protein structure and function. To our knowledge, functional studies have not been reported for this variant. This variant has not been reported in individuals affected with COL3A1-related disorders in the literature. This variant has been identified in 2/250228 chromosomes in the general population by the Genome Aggregation Database (gnomAD). The available evidence is insufficient to determine the role of this variant in disease conclusively. Therefore, this variant is classified as a Variant of Uncertain Significance.

GeneDx
Classification: Uncertain significance. Last evaluated: 2022-09-19. Review status: criteria provided, single submitter. Criteria: GeneDx Variant Classification Process June 2021. Collection method: clinical testing. Allele origin: germline. Affected: yes.
Comment: Has not been previously published as pathogenic or benign to our knowledge; Not observed at significant frequency in large population cohorts (gnomAD); In silico analysis supports that this missense variant does not alter protein structure/function; Occurs in the triple helical domain at the Y position in the canonical Gly-X-Y repeat; although this variant may have an effect on normal protein folding and function, missense substitution at the Y position is not a common mechanism of disease (HGMD)

Ambry Genetics
Classification: Uncertain significance for Familial thoracic aortic aneurysm and aortic dissection. Last evaluated: 2017-07-24. Review status: criteria provided, single submitter. Criteria: Ambry Variant Classification Scheme 2023. Collection method: clinical testing. Allele origin: germline.
Comment: The p.K251R variant (also known as c.752A>G), located in coding exon 10 of the COL3A1 gene, results from an A to G substitution at nucleotide position 752. The lysine at codon 251 is replaced by arginine, an amino acid with highly similar properties. This amino acid position is highly conserved through mammals, but arginine is the reference amino acid in other vertebrate species. In addition, the in silico prediction for this alteration is inconclusive. Since supporting evidence is limited at this time, the clinical significance of this alteration remains unclear.